The following is an entry in ClinVar:

NM_152618.3(BBS12):c.1292G>A (p.Arg431Gln)

Gene: BBS12 (Bardet-Biedl syndrome 12; plus strand). Cytogenetic location: 4q27.
Variant type: single nucleotide variant.
Coding change: c.1292G>A on transcript NM_152618.3 (MANE Select); coding-DNA position 1292, G replaced by A.
Protein change: p.Arg431Gln; replaces arginine 431 with glutamine.
Molecular consequence: missense variant.
Genome position (GRCh38, 1-based): chr4:122,743,184, G>A. VCF-style: chr4-122743184-G-A. GRCh37 (hg19) VCF-style: chr4-123664339-G-A.
Other names: c.1292G>A, p.Arg431Gln (NM_001178007.2); short protein forms R431Q.
Identifiers: ClinVar variation 956539 (VCV000956539.5), dbSNP rs776216693, ClinGen allele CA3069417.

ClinVar aggregate classification (germline): Uncertain significance. Review status: criteria provided, single submitter (1 of 4 stars). 3 submissions from 3 submitters: Uncertain significance (1). 2 of the submissions do not count toward it. Last evaluated 2022-09-06.

Conditions:
Bardet-Biedl syndrome 12 (BBS12). Identifiers: Orphanet 110, MedGen C1859570, MONDO:0014440, OMIM 615989.
Bardet-Biedl syndrome (BBS). Identifiers: Orphanet 110, MedGen C0752166, MONDO:0015229.
BBS12-related disorder. Also called: BBS12-related condition.

Allele frequency attached by ClinVar (database versions not stated): gnomAD exomes 0.00001 and 0.00002; ExAC 0.00002.
gnomAD v4.1: 9 of 1,614,156 alleles (0.00056%); highest among the groups gnomAD compares: East Asian, 0.0045%; no homozygotes.

Submissions (3):

Labcorp Genetics (formerly Invitae), Labcorp
Classification: Uncertain significance for Bardet-Biedl syndrome. Last evaluated: 2022-09-06. Review status: criteria provided, single submitter. Criteria: Invitae Variant Classification Sherloc (09022015). Collection method: clinical testing. Allele origin: germline.
Comment: This sequence change replaces arginine, which is basic and polar, with glutamine, which is neutral and polar, at codon 431 of the BBS12 protein (p.Arg431Gln). This variant is present in population databases (rs776216693, gnomAD 0.01%). This variant has not been reported in the literature in individuals affected with BBS12-related conditions. ClinVar contains an entry for this variant (Variation ID: 956539). Algorithms developed to predict the effect of missense changes on protein structure and function output the following: SIFT: "Tolerated"; PolyPhen-2: "Benign"; Align-GVGD: "Class C0". The glutamine amino acid residue is found in multiple mammalian species, which suggests that this missense change does not adversely affect protein function. In summary, the available evidence is currently insufficient to determine the role of this variant in disease. Therefore, it has been classified as a Variant of Uncertain Significance.

PreventionGenetics, part of Exact Sciences
Classification: Uncertain significance for BBS12-related condition. Last evaluated: 2024-06-07. Review status: no assertion criteria provided. Collection method: clinical testing. Allele origin: germline. Not counted in ClinVar's aggregate classification.
Comment: The BBS12 c.1292G>A variant is predicted to result in the amino acid substitution p.Arg431Gln. To our knowledge, this variant has not been reported in the literature. This variant is reported in 0.011% of alleles in individuals of East Asian descent in gnomAD. At this time, the clinical significance of this variant is uncertain due to the absence of conclusive functional and genetic evidence.

Natera, Inc.
Classification: Uncertain significance for Bardet-Biedl syndrome type 12. Last evaluated: 2021-03-25. Review status: no assertion criteria provided. Collection method: clinical testing. Allele origin: germline. Not counted in ClinVar's aggregate classification.